The following is an entry in ClinVar:

ClinVar aggregate classification (germline): Uncertain significance. Review status: criteria provided, multiple submitters, no conflicts (2 of 4 stars). 2 submissions from 2 submitters: Uncertain significance (2). Last evaluated 2024-03-11.

Conditions:
Cardiovascular phenotype. Identifiers: MedGen CN230736.

Allele frequency attached by ClinVar (database versions not stated): gnomAD exomes 0.00001; TOPMed 0.00001.

Submissions (2):

Ambry Genetics
Classification: Uncertain significance for Cardiovascular phenotype. Last evaluated: 2024-03-11. Review status: criteria provided, single submitter. Criteria: Ambry Variant Classification Scheme 2023. Collection method: clinical testing. Allele origin: germline.
Comment: The p.P132L variant (also known as c.395C>T), located in coding exon 1 of the ALPK3 gene, results from a C to T substitution at nucleotide position 395. The proline at codon 132 is replaced by leucine, an amino acid with similar properties. This amino acid position is conserved. In addition, this alteration is predicted to be tolerated by in silico analysis. Based on the available evidence, the clinical significance of this alteration remains unclear.

Labcorp Genetics (formerly Invitae), Labcorp
Classification: Uncertain significance. Last evaluated: 2023-03-30. Review status: criteria provided, single submitter. Criteria: Invitae Variant Classification Sherloc (09022015). Collection method: clinical testing. Allele origin: germline.
Comment: In summary, the available evidence is currently insufficient to determine the role of this variant in disease. Therefore, it has been classified as a Variant of Uncertain Significance. Algorithms developed to predict the effect of missense changes on protein structure and function output the following: SIFT: "Not Available"; PolyPhen-2: "Possibly Damaging"; Align-GVGD: "Not Available". The leucine amino acid residue is found in multiple mammalian species, which suggests that this missense change does not adversely affect protein function. This variant has not been reported in the literature in individuals affected with ALPK3-related conditions. This variant is present in population databases (no rsID available, gnomAD 0.02%). This sequence change replaces proline, which is neutral and non-polar, with leucine, which is neutral and non-polar, at codon 132 of the ALPK3 protein (p.Pro132Leu).

NC_000015.10:g.84817241C>T

Gene: ALPK3 (alpha kinase 3; plus strand). Cytogenetic location: 15q25.3.
Variant type: single nucleotide variant.
Genome position: GRCh38 VCF-style: chr15-84817241-C-T. GRCh37 (hg19) VCF-style: chr15-85360472-C-T.
Other names: short protein forms P132L.
Identifiers: ClinVar variation 2983609 (VCV002983609.4), dbSNP rs1169640131, ClinGen allele CA393368823.